The following is an entry in ClinVar:

NM_001606.5(ABCA2):c.1099G>A (p.Ala367Thr)

Gene: ABCA2 (ATP binding cassette subfamily A member 2; minus strand). Cytogenetic location: 9q34.3.
Variant type: single nucleotide variant.
Coding change: c.1099G>A on transcript NM_001606.5 (MANE Select); coding-DNA position 1099, G replaced by A.
Protein change: p.Ala367Thr; replaces alanine 367 with threonine.
Molecular consequence: missense variant.
Genome position (GRCh38, 1-based): chr9:137,020,860, C>T on the plus strand (G>A on the coding strand, the complement: ABCA2 is on the minus strand). VCF-style: chr9-137020860-C-T. GRCh37 (hg19) VCF-style: chr9-139915312-C-T.
Other names: c.1189G>A (NM_212533.2); c.1096G>A, p.Ala366Thr (NM_001411042.1); c.1189G>A, p.Ala397Thr (NM_212533.3); short protein forms A366T, A367T, A397T.
Identifiers: ClinVar variation 2438720 (VCV002438720.6), dbSNP rs367552369, ClinGen allele CA5355590.
Genomic context (GRCh38, chr9:137,020,860, plus strand): 5'-CGCCCTCCTCAGCGGTGGCGTTGGGGCCCATGACTGCCCCTGCCCCAGTGCCATTGGCCG[C>T]CCCACCCGCACCACTGGCTGGGGGTCCGGGGGTCCGGCCAGTGCAGGCACCCTGGGGCAG-3'
Protein context (NP_001597.2, residues 357-377): PGPPASGAGG[Ala367Thr]ANGTGAGAVM

ClinVar aggregate classification (germline): Uncertain significance. Review status: criteria provided, multiple submitters, no conflicts (2 of 4 stars). 3 submissions from 3 submitters: Uncertain significance (3). Last evaluated 2025-11-06.

Conditions:
Intellectual developmental disorder with poor growth and with or without seizures or ataxia. Identifiers: MedGen C5394135, MONDO:0032930, OMIM 618808.

Allele frequency attached by ClinVar (database versions not stated): ESP Exome Variant Server 0.00027; gnomAD 0.00031; gnomAD exomes 0.00002; 1000 Genomes Project 30x 0.00047; TOPMed 0.00031; 1000 Genomes Project 0.00040; ExAC 0.00019.
gnomAD v4.1: 82 of 1,543,566 alleles (0.0053%); highest among the groups gnomAD compares: African/African-American, 0.096%; no homozygotes.

Submissions (3):

Dasa
Classification: Uncertain significance for intellectual developmental disorder with poor growth and with or without seizures or ataxia. Last evaluated: 2025-11-06. Review status: criteria provided, single submitter. Criteria: DASA Assertion Criteria. Collection method: clinical testing. Allele origin: germline.
Comment: NM_001606.5(ABCA2):c.1099G>A (p.Ala367Thr) is a missense variant that results in the substitution of alanine with threonine. This variant is rare in population databases. The currently available literature and clinical evidence are not sufficient to establish a definitive association between this variant and the reported condition. Therefore, this variant is classified as a variant of uncertain significance.

Ambry Genetics
Classification: Uncertain significance. Last evaluated: 2024-10-06. Review status: criteria provided, single submitter. Criteria: Ambry Variant Classification Scheme 2023. Collection method: clinical testing. Allele origin: germline.

Revvity Omics, Revvity
Classification: Uncertain significance for Intellectual developmental disorder with poor growth and with or without seizures or ataxia. Last evaluated: 2021-11-02. Review status: criteria provided, single submitter. Criteria: ACMG Guidelines, 2015. Collection method: clinical testing. Allele origin: germline.